The following is an entry in ClinVar:

NM_000214.3(JAG1):c.894T>C (p.Asn298=)

Gene: JAG1 (jagged canonical Notch ligand 1; minus strand). Cytogenetic location: 20p12.2.
Variant type: single nucleotide variant.
Coding change: c.894T>C on transcript NM_000214.3 (MANE Select); coding-DNA position 894, T replaced by C.
Protein change: p.Asn298=; no amino-acid change (asparagine 298 retained).
Molecular consequence: synonymous variant.
Genome position (GRCh38, 1-based): chr20:10,652,243, A>G on the plus strand (T>C on the coding strand, the complement: JAG1 is on the minus strand). VCF-style: chr20-10652243-A-G. GRCh37 (hg19) VCF-style: chr20-10632891-A-G.
Other names: c.894T>C, p.Asn298= (LRG_1191t1).
Identifiers: ClinVar variation 285422 (VCV000285422.37), dbSNP rs149897344, ClinGen allele CA9765014.

ClinVar aggregate classification (germline): Benign/Likely benign. Review status: criteria provided, multiple submitters, no conflicts (2 of 4 stars). 11 submissions from 11 submitters: Benign (2); Likely benign (6). 3 of the submissions do not count toward it. Last evaluated 2026-01-27.

Conditions:
Isolated Nonsyndromic Congenital Heart Disease.
JAG1-related disorder. Also called: JAG1-related condition; JAG1-related disorders.
Cardiovascular phenotype. Identifiers: MedGen CN230736.
Alagille syndrome due to a JAG1 point mutation. Also called: JAG1-Related Alagille Syndrome; Alagille Syndrome 1; HEPATIC DUCTULAR HYPOPLASIA, SYNDROMATIC. Identifiers: Orphanet 261619, Orphanet 52, MedGen C1956125, MONDO:0016862, OMIM 118450.

Allele frequency attached by ClinVar (database versions not stated): 1000 Genomes Project 30x 0.00016; 1000 Genomes Project 0.00020; ExAC 0.00036; ESP Exome Variant Server 0.00038; gnomAD 0.00038 and 0.00039; gnomAD exomes 0.00049 and 0.00056; TOPMed 0.00054.
gnomAD v4.1: 889 of 1,614,092 alleles (0.055%); highest among the groups gnomAD compares: Admixed American, 0.11%; no homozygotes.

Submissions (12):

Labcorp Genetics (formerly Invitae), Labcorp
Classification: Likely benign for Alagille syndrome due to a JAG1 point mutation. Last evaluated: 2026-01-27. Review status: criteria provided, single submitter. Criteria: Invitae Variant Classification Sherloc (09022015). Collection method: clinical testing. Allele origin: germline.

CeGaT Center for Human Genetics Tuebingen
Classification: Likely benign. Last evaluated: 2025-10-01. Review status: criteria provided, single submitter. Criteria: CeGaT Center For Human Genetics Tuebingen Variant Classification Criteria Version 2. Collection method: clinical testing. Allele origin: germline. Affected: yes. Observed: 2 variant alleles.
Comment: JAG1: BP4, BP7

Blueprint Genetics
Classification: Likely benign. Last evaluated: 2024-11-22. Review status: criteria provided, single submitter. Criteria: ACMG Guidelines, 2015. Collection method: clinical testing. Allele origin: germline.

Women's Health and Genetics/Laboratory Corporation of America, LabCorp
Classification: Benign. Last evaluated: 2023-07-29. Review status: criteria provided, single submitter. Criteria: LabCorp Variant Classification Summary - May 2015. Collection method: clinical testing. Allele origin: germline.

Ambry Genetics
Classification: Likely benign for Cardiovascular phenotype. Last evaluated: 2021-08-23. Review status: criteria provided, single submitter. Criteria: Ambry Variant Classification Scheme 2023. Collection method: clinical testing. Allele origin: germline.

Eurofins Ntd Llc (ga)
Classification: Likely benign. Last evaluated: 2018-06-01. Review status: criteria provided, single submitter. Criteria: EGL ClinVar v180209 classification definitions. Collection method: clinical testing. Allele origin: germline. Observed: 4 variant alleles, 4 heterozygotes.

GeneDx
Classification: Likely benign. Last evaluated: 2018-03-15. Review status: criteria provided, single submitter. Criteria: GeneDx Variant Classification (06012015). Collection method: clinical testing. Allele origin: germline. Affected: yes.
Comment: This variant is considered likely benign or benign based on one or more of the following criteria: it is a conservative change, it occurs at a poorly conserved position in the protein, it is predicted to be benign by multiple in silico algorithms, and/or has population frequency not consistent with disease.

Illumina Laboratory Services, Illumina
Classification: Benign for Isolated Nonsyndromic Congenital Heart Disease. Last evaluated: 2018-01-13. Review status: criteria provided, single submitter. Criteria: ICSL Variant Classification Criteria 13 December 2019. Collection method: clinical testing. Allele origin: germline.
Comment: This variant was observed in the ICSL laboratory as part of a predisposition screen in an ostensibly healthy population. It had not been previously curated by ICSL or reported in the Human Gene Mutation Database (HGMD: prior to June 1st, 2018), and was therefore a candidate for classification through an automated scoring system. Utilizing variant allele frequency, disease prevalence and penetrance estimates, and inheritance mode, an automated score was calculated to assess if this variant is too frequent to cause the disease. Based on the score and internal cut-off values, a variant classified as benign is not then subjected to further curation. The score for this variant resulted in a classification of benign for this disease.

PreventionGenetics, part of Exact Sciences
Classification: Likely benign for JAG1-related condition. Last evaluated: 2019-08-28. Review status: no assertion criteria provided. Collection method: clinical testing. Allele origin: germline. Not counted in ClinVar's aggregate classification.
Comment: This variant is classified as likely benign based on ACMG/AMP sequence variant interpretation guidelines (Richards et al. 2015 PMID: 25741868, with internal and published modifications).

Clinical Genetics DNA and cytogenetics Diagnostics Lab, Erasmus MC, Erasmus Medical Center
Classification: Likely benign. Review status: no assertion criteria provided. Collection method: clinical testing. Allele origin: germline. Affected: yes. Study: VKGL Data-share Consensus. Not counted in ClinVar's aggregate classification.

Clinical Genetics, Academic Medical Center
Classification: Likely benign. Review status: no assertion criteria provided. Collection method: clinical testing. Allele origin: germline. Affected: yes. Study: VKGL Data-share Consensus. Not counted in ClinVar's aggregate classification.

Gilbert/Spinner Lab, Children's Hospital of Philadelphia
No classification provided (evidence only). Condition: Alagille syndrome. Review status: no classification provided. Collection method: research. Allele origin: not applicable. Functional consequence: functionally_abnormal. Not counted in ClinVar's aggregate classification.
ClinVar note: "not provided" was previously submitted as the classification for the variant. However, the classification appeared to be based only on an observation of functional data so it was converted to no classification on 2025-07-30.